The following is an entry in ClinVar:

NM_001267550.2(TTN):c.26551T>G (p.Cys8851Gly)

Gene: TTN (titin; minus strand). Cytogenetic location: 2q31.2.
Variant type: single nucleotide variant.
Coding change: c.26551T>G on transcript NM_001267550.2 (MANE Select); coding-DNA position 26551, T replaced by G.
Protein change: p.Cys8851Gly; replaces cysteine 8851 with glycine.
Molecular consequence: missense variant. On other transcripts: intron variant (3).
Genome position (GRCh38, 1-based): chr2:178,714,107, A>C on the plus strand (T>G on the coding strand, the complement: TTN is on the minus strand). VCF-style: chr2-178714107-A-C. GRCh37 (hg19) VCF-style: chr2-179578834-A-C.
Other names: c.25600T>G, p.Cys8534Gly (NM_001256850.1); c.22819T>G, p.Cys7607Gly (NM_133378.4); c.13282+23975T>G (NM_003319.4); c.13858+23975T>G (NM_133437.4); c.13657+23975T>G (NM_133432.3); short protein forms C8851G, C8534G, C7607G.
Identifiers: ClinVar variation 892620 (VCV000892620.13), dbSNP rs558169834, ClinGen allele CA1999974.
Genomic context (GRCh38, chr2:178,714,107, plus strand): 5'-TTAGCTCTTTTCCATCCTTAAACCACTTAGTACTGAGTTCAGGGGTGCCAGCTACTGTAC[A>C]CTCCAAGGTACAGGTGTCTCCCGTGGTAACTTTTATGGATTCTGGCTTTTCTACAATTGT-3'
Protein context (NP_001254479.2, residues 8841-8861): VTTGDTCTLE[Cys8851Gly]TVAGTPELST

ClinVar aggregate classification (germline): Uncertain significance. Review status: criteria provided, multiple submitters, no conflicts (2 of 4 stars). 8 submissions from 4 submitters: Uncertain significance (8). Last evaluated 2026-01-20.

Conditions:
Dilated cardiomyopathy 1G (CMD1G). Identifiers: Orphanet 154, MedGen C1858763, MONDO:0011400, OMIM 604145.
Tibial muscular dystrophy (TMD). Also called: Udd Distal Myopathy – Tibial Muscular Dystrophy; UDD MYOPATHY; Tibial muscular dystrophy, tardive. Identifiers: Orphanet 609, MedGen C1838244, MONDO:0010870, OMIM 600334.
Early-onset myopathy with fatal cardiomyopathy (CMYO5). Also called: CONGENITAL MYOPATHY 5 WITH CARDIOMYOPATHY; Salih Myopathy. Identifiers: Orphanet 289377, MedGen C2673677, MONDO:0012714, OMIM 611705. Disease mechanism: loss of function.
TTN-related disorder. Also called: TTN-related disorders; TTN-related condition; TTN-related disease.
Myopathy, myofibrillar, 9, with early respiratory failure (MFM9). Also called: MYOPATHY, PROXIMAL, WITH EARLY RESPIRATORY MUSCLE INVOLVEMENT; Hereditary myopathy with early respiratory failure; Myopathy, distal, with early respiratory failure, autosomal dominant; EDSTROM MYOPATHY. Identifiers: Orphanet 178464, Orphanet 34521, MedGen C1863599, MONDO:0011362, OMIM 603689.
Autosomal recessive limb-girdle muscular dystrophy type 2J (LGMDR10). Also called: Limb-girdle muscular dystrophy, type 2J; MUSCULAR DYSTROPHY, LIMB-GIRDLE, AUTOSOMAL RECESSIVE 10. Identifiers: Orphanet 140922, MedGen C1837342, MONDO:0012127, OMIM 608807.

Allele frequency attached by ClinVar (database versions not stated): ExAC 0.00003; gnomAD 0.00003; gnomAD exomes 0.00003 and 0.00008; TOPMed 0.00003.
gnomAD v4.1: 115 of 1,613,428 alleles (0.0071%); highest among the groups gnomAD compares: Non-Finnish European, 0.0095%; no homozygotes.

Submissions (8):

PreventionGenetics, part of Exact Sciences
Classification: Uncertain significance for TTN-related condition. Last evaluated: 2026-01-20. Review status: criteria provided, single submitter. Criteria: ACMG Guidelines, 2015. Collection method: clinical testing. Allele origin: germline.
Comment: The TTN c.26551T>G variant is predicted to result in the amino acid substitution p.Cys8851Gly. To our knowledge, this variant has not been reported in the literature. This variant is reported in 0.0062% of alleles in individuals of European (Non-Finnish) descent in gnomAD. At this time, the clinical significance of this variant is uncertain due to the absence of conclusive functional and genetic evidence.

CeGaT Center for Human Genetics Tuebingen
Classification: Uncertain significance. Last evaluated: 2025-10-01. Review status: criteria provided, single submitter. Criteria: CeGaT Center For Human Genetics Tuebingen Variant Classification Criteria Version 2. Collection method: clinical testing. Allele origin: germline. Affected: yes. Observed: 1 variant allele.

Revvity Omics, Revvity
Classification: Uncertain significance. Last evaluated: 2024-06-11. Review status: criteria provided, single submitter. Criteria: ACMG Guidelines, 2015. Collection method: clinical testing. Allele origin: germline.

Illumina Laboratory Services, Illumina
Classification: Uncertain significance for Myopathy, myofibrillar, 9, with early respiratory failure. Last evaluated: 2018-01-13. Review status: criteria provided, single submitter. Criteria: ICSL Variant Classification Criteria 13 December 2019. Collection method: clinical testing. Allele origin: germline.

Illumina Laboratory Services, Illumina
Classification: Uncertain significance for Dilated cardiomyopathy 1G. Last evaluated: 2018-01-13. Review status: criteria provided, single submitter. Criteria: ICSL Variant Classification Criteria 13 December 2019. Collection method: clinical testing. Allele origin: germline.

Illumina Laboratory Services, Illumina
Classification: Uncertain significance for Tibial muscular dystrophy. Last evaluated: 2018-01-13. Review status: criteria provided, single submitter. Criteria: ICSL Variant Classification Criteria 13 December 2019. Collection method: clinical testing. Allele origin: germline.

Illumina Laboratory Services, Illumina
Classification: Uncertain significance for Autosomal recessive limb-girdle muscular dystrophy type 2J. Last evaluated: 2018-01-13. Review status: criteria provided, single submitter. Criteria: ICSL Variant Classification Criteria 13 December 2019. Collection method: clinical testing. Allele origin: germline.

Illumina Laboratory Services, Illumina
Classification: Uncertain significance for Early-onset myopathy with fatal cardiomyopathy. Last evaluated: 2018-01-13. Review status: criteria provided, single submitter. Criteria: ICSL Variant Classification Criteria 13 December 2019. Collection method: clinical testing. Allele origin: germline.